The following is an entry in ClinVar:

ClinVar aggregate classification (germline): Uncertain significance (1 of 4 stars; one submission).

Submission:

Labcorp Genetics (formerly Invitae), Labcorp
Classification: Uncertain significance. Last evaluated: 2023-04-04. Review status: criteria provided, single submitter. Criteria: Invitae Variant Classification Sherloc (09022015). Collection method: clinical testing. Allele origin: germline.
Comment: In summary, the available evidence is currently insufficient to determine the role of this variant in disease. Therefore, it has been classified as a Variant of Uncertain Significance. Algorithms developed to predict the effect of sequence changes on RNA splicing suggest that this variant may create or strengthen a splice site. An algorithm developed to predict the effect of missense changes on protein structure and function (PolyPhen-2) suggests that this variant is likely to be tolerated. This variant has not been reported in the literature in individuals affected with TOP2B-related conditions. This variant is not present in population databases (gnomAD no frequency). This sequence change replaces serine, which is neutral and polar, with arginine, which is basic and polar, at codon 537 of the TOP2B protein (p.Ser537Arg).

NM_001330700.2(TOP2B):c.1626T>G (p.Ser542Arg)

Gene: TOP2B (DNA topoisomerase II beta; minus strand). Cytogenetic location: 3p24.2.
Variant type: single nucleotide variant.
Coding change: c.1626T>G on transcript NM_001330700.2 (MANE Select); coding-DNA position 1626, T replaced by G.
Protein change: p.Ser542Arg; replaces serine 542 with arginine.
Molecular consequence: missense variant.
Genome position (GRCh38, 1-based): chr3:25,630,092, A>C on the plus strand (T>G on the coding strand, the complement: TOP2B is on the minus strand). VCF-style: chr3-25630092-A-C. GRCh37 (hg19) VCF-style: chr3-25671583-A-C.
Other names: c.1611T>G, p.Ser537Arg (NM_001068.3); short protein forms S542R, S537R.
Identifiers: ClinVar variation 2852042 (VCV002852042.3), dbSNP rs2470352857, ClinGen allele CA351908539.